The following is an entry in ClinVar:

ClinVar aggregate classification (germline): Uncertain significance. Review status: criteria provided, multiple submitters, no conflicts (2 of 4 stars). 2 submissions from 2 submitters: Uncertain significance (2). Last evaluated 2025-08-02.

Conditions:
Combined immunodeficiency due to LRBA deficiency. Also called: Common variable immunodeficiency 8, with autoimmunity. Identifiers: Orphanet 445018, MedGen C3553512, MONDO:0013863, OMIM 614700.
Inborn genetic diseases. Identifiers: MedGen C0950123, MeSH D030342.

Allele frequency attached by ClinVar (database versions not stated): TOPMed 0.00004.
gnomAD v4.1: 383 of 1,611,544 alleles (0.024%); highest among the groups gnomAD compares: Non-Finnish European, 0.032%; 1 homozygote.

Submissions (2):

Ambry Genetics
Classification: Uncertain significance for Inborn genetic diseases. Last evaluated: 2025-08-02. Review status: criteria provided, single submitter. Criteria: Ambry Variant Classification Scheme 2023. Collection method: clinical testing. Allele origin: germline.

Labcorp Genetics (formerly Invitae), Labcorp
Classification: Uncertain significance for Combined immunodeficiency due to LRBA deficiency. Last evaluated: 2023-12-07. Review status: criteria provided, single submitter. Criteria: Invitae Variant Classification Sherloc (09022015). Collection method: clinical testing. Allele origin: germline.
Comment: This sequence change replaces aspartic acid, which is acidic and polar, with histidine, which is basic and polar, at codon 2119 of the LRBA protein (p.Asp2119His). This variant is present in population databases (rs142598024, gnomAD 0.03%), including at least one homozygous and/or hemizygous individual. This variant has not been reported in the literature in individuals affected with LRBA-related conditions. ClinVar contains an entry for this variant (Variation ID: 1018660). Advanced modeling of protein sequence and biophysical properties (such as structural, functional, and spatial information, amino acid conservation, physicochemical variation, residue mobility, and thermodynamic stability) performed at Invitae indicates that this missense variant is expected to disrupt LRBA protein function with a positive predictive value of 80%. In summary, the available evidence is currently insufficient to determine the role of this variant in disease. Therefore, it has been classified as a Variant of Uncertain Significance.

NM_001364905.1(LRBA):c.6322G>C (p.Asp2108His)

Gene: LRBA (LPS responsive beige-like anchor protein; minus strand). Cytogenetic location: 4q31.3.
Variant type: single nucleotide variant.
Coding change: c.6322G>C on transcript NM_001364905.1 (MANE Select); coding-DNA position 6322, G replaced by C.
Protein change: p.Asp2108His; replaces aspartic acid 2108 with histidine.
Molecular consequence: missense variant.
Genome position (GRCh38, 1-based): chr4:150,588,056, C>G on the plus strand (G>C on the coding strand, the complement: LRBA is on the minus strand). VCF-style: chr4-150588056-C-G. GRCh37 (hg19) VCF-style: chr4-151509208-C-G.
Other names: c.6322G>C, p.Asp2108His (NM_001199282.3, NM_001367550.1); c.6355G>C, p.Asp2119His (NM_006726.5); short protein forms D2108H, D2119H.
Identifiers: ClinVar variation 1018660 (VCV001018660.7), dbSNP rs142598024, ClinGen allele CA3102154.